The following is an entry in ClinVar:

ClinVar aggregate classification (germline): Pathogenic (1 of 4 stars; one submission).

Conditions:
Asphyxiating thoracic dystrophy 3. Also called: SHORT-RIB THORACIC DYSPLASIA 3 WITH OR WITHOUT POLYDACTYLY; POLYDACTYLY WITH NEONATAL CHONDRODYSTROPHY, TYPE I; SHORT-RIB THORACIC DYSPLASIA 3/6 WITH POLYDACTYLY, DIGENIC; Short rib polydactyly syndrome 2B; Saldino-Noonan Syndrome. Identifiers: Orphanet 474, Orphanet 93269, Orphanet 93270, Orphanet 93271, MedGen C0036069, MONDO:0013127, OMIM 613091.

Submission:

Myriad Genetics, Inc.
Classification: Pathogenic for Asphyxiating thoracic dystrophy 3. Last evaluated: 2025-10-04. Review status: criteria provided, single submitter. Criteria: Myriad Autosomal Dominant, Autosomal Recessive and X-Linked Classification Criteria (2023). Collection method: clinical testing. Allele origin: unknown.
Comment: NM_001377.2(DYNC2H1):c.1464G>A(W488*) is expected to be pathogenic in the context of DYNC2H1-related disorders. This variant is predicted to lead to an abnormal or absent protein product due to the creation of a premature termination codon in DYNC2H1, a gene where loss-of-function variants are known to be pathogenic. Please note: this variant was assessed in the context of healthy population screening.

NM_001377.3(DYNC2H1):c.1464G>A (p.Trp488Ter)

Gene: DYNC2H1 (dynein cytoplasmic 2 heavy chain 1; plus strand). Cytogenetic location: 11q22.3.
Variant type: single nucleotide variant.
Coding change: c.1464G>A on transcript NM_001377.3 (MANE Select); coding-DNA position 1464, G replaced by A.
Protein change: p.Trp488Ter; replaces tryptophan 488 with a stop codon.
Molecular consequence: nonsense.
Genome position (GRCh38, 1-based): chr11:103,121,475, G>A. VCF-style: chr11-103121475-G-A. GRCh37 (hg19) VCF-style: chr11-102992204-G-A.
Other names: c.1464G>A, p.Trp488Ter (NM_001080463.2); short protein forms W488*.
Identifiers: ClinVar variation 5015046 (VCV005015046.1).